The following is an entry in ClinVar:

NM_005430.4(WNT1):c.104+1G>A

Gene: WNT1 (Wnt family member 1; plus strand). Cytogenetic location: 12q13.12.
Variant type: single nucleotide variant.
Coding change: c.104+1G>A on transcript NM_005430.4 (MANE Select); the canonical splice donor site of the intron after coding-DNA position 104, G replaced by A.
Molecular consequence: splice donor variant.
Genome position (GRCh38, 1-based): chr12:48,978,755, G>A. VCF-style: chr12-48978755-G-A. GRCh37 (hg19) VCF-style: chr12-49372538-G-A.
Identifiers: ClinVar variation 2169566 (VCV002169566.4), dbSNP rs780460871, ClinGen allele CA6544312.

ClinVar aggregate classification (germline): Pathogenic (1 of 4 stars; one submission).

Allele frequency attached by ClinVar (database versions not stated): gnomAD exomes below 0.00001; gnomAD 0.00001; TOPMed 0.00001; ExAC 0.00002.
gnomAD v4.1: 3 of 1,590,386 alleles (0.00019%); highest among the groups gnomAD compares: East Asian, 0.0068%; no homozygotes.

Submission:

Labcorp Genetics (formerly Invitae), Labcorp
Classification: Pathogenic. Last evaluated: 2022-07-19. Review status: criteria provided, single submitter. Criteria: Invitae Variant Classification Sherloc (09022015). Collection method: clinical testing. Allele origin: germline.
Comment: This variant is present in population databases (rs780460871, gnomAD 0.02%). For these reasons, this variant has been classified as Pathogenic. Algorithms developed to predict the effect of sequence changes on RNA splicing suggest that this variant may disrupt the consensus splice site. Disruption of this splice site has been observed in individual(s) with osteogenesis imperfecta (PMID: 30715774). This sequence change affects a donor splice site in intron 1 of the WNT1 gene. It is expected to disrupt RNA splicing. Variants that disrupt the donor or acceptor splice site typically lead to a loss of protein function (PMID: 16199547), and loss-of-function variants in WNT1 are known to be pathogenic (PMID: 23434763, 23499309).

Literature cited by the submitters: PubMed 30715774; PubMed 16199547; PubMed 23434763; PubMed 23499309.